The following is an entry in ClinVar:

ClinVar aggregate classification (germline): Uncertain significance (1 of 4 stars; one submission).

Conditions:
NIK deficiency. Also called: Primary immunodeficiency with multifaceted aberrant lymphoid immunity. Identifiers: Orphanet 447731, MedGen C5680065, MONDO:0018642.

Submission:

Labcorp Genetics (formerly Invitae), Labcorp
Classification: Uncertain significance for NIK deficiency. Last evaluated: 2018-07-05. Review status: criteria provided, single submitter. Criteria: Invitae Variant Classification Sherloc (09022015). Collection method: clinical testing. Allele origin: germline.
Comment: This sequence change replaces alanine with threonine at codon 927 of the MAP3K14 protein (p.Ala927Thr). TheÂ¬â€ alanineÂ¬â€ residue is highly conserved and there is a small physicochemical difference betweenÂ¬â€ alanineÂ¬â€ andÂ¬â€ threonine. This variant is not present in population databases (ExAC no frequency). This variant has not been reported in the literature in individuals with MAP3K14-related disease. Algorithms developed to predict the effect of missense changes on protein structure and function are either unavailable or do not agree on the potential impact of this missense change (SIFT: "Deleterious"; PolyPhen-2: "Not Available"; Align-GVGD: "Class C0"). In summary, the available evidence is currently insufficient to determine the role of this variant in disease. Therefore, it has been classified as a Variant of Uncertain Significance.

NM_003954.5(MAP3K14):c.2779G>A (p.Ala927Thr)

Genes: MAP3K14 (mitogen-activated protein kinase kinase kinase 14; minus strand), MAP3K14-AS1 (MAP3K14 antisense RNA 1; plus strand). Cytogenetic location: 17q21.31.
Variant type: single nucleotide variant.
Coding change: c.2779G>A on transcript NM_003954.5 (MANE Select); coding-DNA position 2779, G replaced by A.
Protein change: p.Ala927Thr; replaces alanine 927 with threonine.
Molecular consequence: missense variant.
Genome position (GRCh38, 1-based): chr17:45,264,701, C>T on the plus strand (G>A on the coding strand, the complement: MAP3K14 is on the minus strand). VCF-style: chr17-45264701-C-T. GRCh37 (hg19) VCF-style: chr17-43342068-C-T.
Other names: c.2779G>A, p.Ala927Thr (LRG_1222t1); short protein forms A927T.
Identifiers: ClinVar variation 575207 (VCV000575207.1), dbSNP rs1567984601, ClinGen allele CA399869477.